The following is an entry in ClinVar:

ClinVar aggregate classification (germline): Uncertain significance (1 of 4 stars; one submission).

Conditions:
Tuberous sclerosis 2 (TSC2). Identifiers: Orphanet 805, MedGen C1860707, MONDO:0013199, OMIM 613254.

Submission:

Labcorp Genetics (formerly Invitae), Labcorp
Classification: Uncertain significance for Tuberous sclerosis 2. Last evaluated: 2025-12-13. Review status: criteria provided, single submitter. Criteria: Invitae Variant Classification Sherloc (09022015). Collection method: clinical testing. Allele origin: germline.
Comment: This sequence change replaces lysine, which is basic and polar, with isoleucine, which is neutral and non-polar, at codon 1689 of the TSC2 protein (p.Lys1689Ile). This variant is not present in population databases (gnomAD no frequency). This variant has not been reported in the literature in individuals affected with TSC2-related conditions. An algorithm developed to predict the effect of missense changes on protein structure and function (PolyPhen-2) suggests that this variant is likely to be disruptive. In summary, the available evidence is currently insufficient to determine the role of this variant in disease. Therefore, it has been classified as a Variant of Uncertain Significance.

NM_000548.5(TSC2):c.5066A>T (p.Lys1689Ile)

Gene: TSC2 (TSC complex subunit 2; plus strand). Cytogenetic location: 16p13.3.
Variant type: single nucleotide variant.
Coding change: c.5066A>T on transcript NM_000548.5 (MANE Select); coding-DNA position 5066, A replaced by T.
Protein change: p.Lys1689Ile; replaces lysine 1689 with isoleucine.
Molecular consequence: missense variant. On other transcripts: non-coding transcript variant (5).
Genome position (GRCh38, 1-based): chr16:2,087,939, A>T. VCF-style: chr16-2087939-A-T. GRCh37 (hg19) VCF-style: chr16-2137940-A-T.
Other names: c.4466A>T, p.Lys1489Ile (NM_001406680.1); c.4406A>T, p.Lys1469Ile (NM_001406681.1); c.4397A>T, p.Lys1466Ile (NM_001406682.1, NM_001406683.1); c.4394A>T, p.Lys1465Ile (NM_001406684.1); c.4268A>T, p.Lys1423Ile (NM_001406685.1, NM_001406686.1); c.3593A>T, p.Lys1198Ile (NM_001406690.1); c.3590A>T, p.Lys1197Ile (NM_001406691.1); c.3524A>T, p.Lys1175Ile (NM_001406692.1, NM_001406693.1, NM_001406694.1); and 26 more; short protein forms K1218I, K1422I, K1466I, K1489I, K1623I, K1666I, K1689I, K1088I.
Identifiers: ClinVar variation 4733062 (VCV004733062.1).
Genomic context (GRCh38, chr16:2,087,939, plus strand): 5'-TCCACGTGATCGTCACCCCGCTGGACTACGAGTGCAACCTGGTGTCCCTGCAGTGCAGGA[A>T]AGGTAGGGCCGGGTGGGGCCCTGCAGTGCAGGAAAGGTAGGGCCGGGTGGGGCCCTGCAG-3'
Protein context (NP_000539.2, residues 1679-1699): ECNLVSLQCR[Lys1689Ile]DMEGLVDTSV